The following is an entry in ClinVar:

ClinVar aggregate classification (germline): Uncertain significance (1 of 4 stars; one submission).

gnomAD v4.1: 3 of 1,610,656 alleles (0.00019%); highest among the groups gnomAD compares: Admixed American, 0.0017%; no homozygotes.

Submission:

Labcorp Genetics (formerly Invitae), Labcorp
Classification: Uncertain significance. Last evaluated: 2024-10-10. Review status: criteria provided, single submitter. Criteria: Invitae Variant Classification Sherloc (09022015). Collection method: clinical testing. Allele origin: germline.
Comment: This sequence change replaces lysine, which is basic and polar, with arginine, which is basic and polar, at codon 162 of the EPHB4 protein (p.Lys162Arg). This variant is not present in population databases (gnomAD no frequency). This variant has not been reported in the literature in individuals affected with EPHB4-related conditions. Invitae Evidence Modeling of protein sequence and biophysical properties (such as structural, functional, and spatial information, amino acid conservation, physicochemical variation, residue mobility, and thermodynamic stability) indicates that this missense variant is not expected to disrupt EPHB4 protein function with a negative predictive value of 95%. In summary, the available evidence is currently insufficient to determine the role of this variant in disease. Therefore, it has been classified as a Variant of Uncertain Significance.

NM_004444.5(EPHB4):c.485A>G (p.Lys162Arg)

Gene: EPHB4 (EPH receptor B4; minus strand). Cytogenetic location: 7q22.1.
Variant type: single nucleotide variant.
Coding change: c.485A>G on transcript NM_004444.5 (MANE Select); coding-DNA position 485, A replaced by G.
Protein change: p.Lys162Arg; replaces lysine 162 with arginine.
Molecular consequence: missense variant.
Genome position (GRCh38, 1-based): chr7:100,822,594, T>C on the plus strand (A>G on the coding strand, the complement: EPHB4 is on the minus strand). VCF-style: chr7-100822594-T-C. GRCh37 (hg19) VCF-style: chr7-100420216-T-C.
Other names: short protein forms K162R.
Identifiers: ClinVar variation 3607164 (VCV003607164.2).